The following is an entry in ClinVar:

NM_024675.4(PALB2):c.2997-18A>T

Gene: PALB2 (partner and localizer of BRCA2; minus strand). Cytogenetic location: 16p12.2.
Variant type: single nucleotide variant.
Coding change: c.2997-18A>T on transcript NM_024675.4 (MANE Select); 18 bases into the intron before coding-DNA position 2997, A replaced by T.
Molecular consequence: intron variant.
Genome position (GRCh38, 1-based): chr16:23,621,496, T>A on the plus strand (A>T on the coding strand, the complement: PALB2 is on the minus strand). VCF-style: chr16-23621496-T-A. GRCh37 (hg19) VCF-style: chr16-23632817-T-A.
Other names: c.2112-18A>T (NM_001407308.1, NM_001407306.1, NM_001407309.1 and 4 more transcripts); c.531-18A>T (NM_001407314.1); c.1209-18A>T (NM_001407313.1, NM_001407312.1); c.2937-18A>T (NM_001407296.1); c.2925-18A>T (NM_001407297.1); c.2835-18A>T (NM_001407302.1, NM_001407298.1); c.2834+2513A>T (NM_001407300.1); c.2997-18A>T (NM_001407299.1, NM_001407301.1); and 1 more.
Identifiers: ClinVar variation 2576367 (VCV002576367.3), dbSNP rs750052146, ClinGen allele CA2580612717.

ClinVar aggregate classification (germline): Likely benign. Review status: criteria provided, multiple submitters, no conflicts (2 of 4 stars). 2 submissions from 2 submitters: Likely benign (2). Last evaluated 2025-03-04.

Conditions:
Familial cancer of breast. Also called: Hereditary breast cancer; BREAST CANCER, FAMILIAL; hereditary breast carcinoma. Identifiers: Orphanet 227535, MedGen C0346153, MONDO:0016419, OMIM 114480. Disease mechanism: loss of function.

gnomAD v4.1: 2 of 1,521,596 alleles (0.00013%); highest among the groups gnomAD compares: Non-Finnish European, 0.00018%; no homozygotes.

Submissions (2):

Center for Genomic Medicine, Rigshospitalet, Copenhagen University Hospital
Classification: Likely benign. Last evaluated: 2025-03-04. Review status: criteria provided, single submitter. Criteria: ACMG Guidelines, 2015. Collection method: clinical testing. Allele origin: germline.

Myriad Genetics, Inc.
Classification: Likely benign for Familial cancer of breast. Last evaluated: 2025-01-21. Review status: criteria provided, single submitter. Criteria: Myriad Autosomal Dominant, Autosomal Recessive and X-Linked Classification Criteria (2023). Collection method: clinical testing. Allele origin: unknown.
Comment: This variant is considered likely benign. This variant is intronic and is not expected to impact mRNA splicing.